The following is an entry in ClinVar:

NM_005236.3(ERCC4):c.303C>A (p.Tyr101Ter)

Gene: ERCC4 (ERCC excision repair 4, endonuclease catalytic subunit; plus strand). Cytogenetic location: 16p13.12.
Variant type: single nucleotide variant.
Coding change: c.303C>A on transcript NM_005236.3 (MANE Select); coding-DNA position 303, C replaced by A.
Protein change: p.Tyr101Ter; replaces tyrosine 101 with a stop codon.
Molecular consequence: nonsense.
Genome position (GRCh38, 1-based): chr16:13,922,126, C>A. VCF-style: chr16-13922126-C-A. GRCh37 (hg19) VCF-style: chr16-14015983-C-A.
Other names: short protein forms Y101*.
Identifiers: ClinVar variation 2501163 (VCV002501163.1), dbSNP rs2141940032, ClinGen allele CA394818119.
Genomic context (GRCh38, chr16:13,922,126, plus strand): 5'-TGAACACCTCCCTCGCCGTGTAACAAATGAAATCACAAGCAACAGTCGCTATGAAGTTTA[C>A]ACACAAGGTGGTGTTATATTTGCGACAAGTAGGATACTTGTGGTTGACTTCTTGACTGAT-3'

ClinVar aggregate classification (germline): Likely pathogenic (1 of 4 stars; one submission).

Conditions:
Xeroderma pigmentosum (XP). Identifiers: Orphanet 910, MedGen C0043346, MONDO:0019600.

Submission:

Women's Health and Genetics/Laboratory Corporation of America, LabCorp
Classification: Likely pathogenic for Xeroderma pigmentosum. Last evaluated: 2023-03-09. Review status: criteria provided, single submitter. Criteria: LabCorp Variant Classification Summary - May 2015. Collection method: clinical testing. Allele origin: germline.
Comment: Variant summary: ERCC4 c.303C>A (p.Tyr101X) results in a premature termination codon, predicted to cause a truncation of the encoded protein or absence of the protein due to nonsense mediated decay, which are commonly known mechanisms for disease. Truncations downstream of this position have been classified as pathogenic in ClinVar. The variant was absent in 251340 control chromosomes. To our knowledge, no occurrence of c.303C>A in individuals affected with Xeroderma Pigmentosum and no experimental evidence demonstrating its impact on protein function have been reported. No clinical diagnostic laboratories have submitted clinical-significance assessments for this variant to ClinVar after 2014. Based on the evidence outlined above, the variant was classified as likely pathogenic.